The following is an entry in ClinVar:

NM_000287.4(PEX6):c.1873C>T (p.Arg625Trp)

Gene: PEX6 (peroxisomal biogenesis factor 6; minus strand). Cytogenetic location: 6p21.1.
Variant type: single nucleotide variant.
Coding change: c.1873C>T on transcript NM_000287.4 (MANE Select); coding-DNA position 1873, C replaced by T.
Protein change: p.Arg625Trp; replaces arginine 625 with tryptophan.
Molecular consequence: missense variant. On other transcripts: non-coding transcript variant (1).
Genome position (GRCh38, 1-based): chr6:42,967,379, G>A on the plus strand (C>T on the coding strand, the complement: PEX6 is on the minus strand). VCF-style: chr6-42967379-G-A. GRCh37 (hg19) VCF-style: chr6-42935117-G-A.
Other names: c.1609C>T, p.Arg537Trp (NM_001316313.2); c.1873C>T (NM_000287.3); short protein forms R537W, R625W.
Identifiers: ClinVar variation 2143781 (VCV002143781.3), dbSNP rs377640713, ClinGen allele CA3811203.

ClinVar aggregate classification (germline): Uncertain significance. Review status: criteria provided, multiple submitters, no conflicts (2 of 4 stars). 3 submissions from 3 submitters: Uncertain significance (3). Last evaluated 2026-08-07.

Conditions:
PEX6-related disorder. Also called: PEX6-related condition; PEX6-related disorders.
Peroxisome biogenesis disorder. Identifiers: Orphanet 79189, MedGen C1832200, MONDO:0019234. Disease mechanism: loss of function.

Allele frequency attached by ClinVar (database versions not stated): ExAC 0.00007; gnomAD exomes 0.00007; ESP Exome Variant Server 0.00015.
gnomAD v4.1: 111 of 1,612,716 alleles (0.0069%); highest among the groups gnomAD compares: Non-Finnish European, 0.0088%; no homozygotes.

Submissions (3):

PreventionGenetics, part of Exact Sciences
Classification: Uncertain significance for PEX6-related condition. Last evaluated: 2026-08-07. Review status: criteria provided, single submitter. Criteria: ACMG Guidelines, 2015. Collection method: clinical testing. Allele origin: germline.
Comment: The PEX6 c.1873C>T variant is predicted to result in the amino acid substitution p.Arg625Trp. To our knowledge, this variant has not been reported in the literature. This variant is reported in 0.011% of alleles in individuals of European (Non-Finnish) descent in gnomAD. At this time, the clinical significance of this variant is uncertain due to the absence of conclusive functional and genetic evidence.

Blueprint Genetics
Classification: Uncertain significance. Last evaluated: 2024-11-21. Review status: criteria provided, single submitter. Criteria: ACMG Guidelines, 2015. Collection method: clinical testing. Allele origin: germline.

Labcorp Genetics (formerly Invitae), Labcorp
Classification: Uncertain significance for Peroxisome biogenesis disorder. Last evaluated: 2022-09-01. Review status: criteria provided, single submitter. Criteria: Invitae Variant Classification Sherloc (09022015). Collection method: clinical testing. Allele origin: germline.
Comment: This sequence change replaces arginine, which is basic and polar, with tryptophan, which is neutral and slightly polar, at codon 625 of the PEX6 protein (p.Arg625Trp). This variant is present in population databases (rs377640713, gnomAD 0.01%). This variant has not been reported in the literature in individuals affected with PEX6-related conditions. Algorithms developed to predict the effect of missense changes on protein structure and function are either unavailable or do not agree on the potential impact of this missense change (SIFT: "Deleterious"; PolyPhen-2: "Probably Damaging"; Align-GVGD: "Class C0"). In summary, the available evidence is currently insufficient to determine the role of this variant in disease. Therefore, it has been classified as a Variant of Uncertain Significance.